The following is an entry in ClinVar:

NM_014727.3(KMT2B):c.3902T>A (p.Val1301Glu)

Gene: KMT2B (lysine methyltransferase 2B; plus strand). Cytogenetic location: 19q13.12.
Variant type: single nucleotide variant.
Coding change: c.3902T>A on transcript NM_014727.3 (MANE Select); coding-DNA position 3902, T replaced by A.
Protein change: p.Val1301Glu; replaces valine 1301 with glutamic acid.
Molecular consequence: missense variant.
Genome position (GRCh38, 1-based): chr19:35,726,252, T>A. VCF-style: chr19-35726252-T-A. GRCh37 (hg19) VCF-style: chr19-36217153-T-A.
Other names: short protein forms V1301E.
Identifiers: ClinVar variation 3900249 (VCV003900249.1).

ClinVar aggregate classification (germline): Uncertain significance (1 of 4 stars; one submission).

Submission:

GeneDx
Classification: Uncertain significance. Last evaluated: 2024-11-24. Review status: criteria provided, single submitter. Criteria: GeneDx Variant Classification Process June 2021. Collection method: clinical testing. Allele origin: germline. Affected: yes.
Comment: Not observed at significant frequency in large population cohorts (gnomAD); In silico analysis supports that this missense variant has a deleterious effect on protein structure/function; Has not been previously published as pathogenic or benign to our knowledge